The following is an entry in ClinVar:

ClinVar aggregate classification (germline): Benign/Likely benign. Review status: criteria provided, multiple submitters, no conflicts (2 of 4 stars). 3 submissions from 3 submitters: Benign (1); Likely benign (1). 1 of the submissions does not count toward it. Last evaluated 2025-12-08.

Conditions:
ARSI-related disorder. Also called: ARSI-related condition.
Spastic paraplegia. Identifiers: MedGen C0037772, HP:0001258.

Allele frequency attached by ClinVar (database versions not stated): ExAC 0.00123; ESP Exome Variant Server 0.00123; gnomAD 0.00142 and 0.00155; TOPMed 0.00182.
gnomAD v4.1: 3,924 of 1,613,458 alleles (0.24%); highest among the groups gnomAD compares: Non-Finnish European, 0.32%; 6 homozygotes.

Submissions (3):

Labcorp Genetics (formerly Invitae), Labcorp
Classification: Benign for Spastic paraplegia. Last evaluated: 2025-12-08. Review status: criteria provided, single submitter. Criteria: Invitae Variant Classification Sherloc (09022015). Collection method: clinical testing. Allele origin: germline.

CeGaT Center for Human Genetics Tuebingen
Classification: Likely benign. Last evaluated: 2023-05-01. Review status: criteria provided, single submitter. Criteria: CeGaT Center For Human Genetics Tuebingen Variant Classification Criteria Version 2. Collection method: clinical testing. Allele origin: germline. Affected: yes. Observed: 1 variant allele.
Comment: ARSI: BP4, BP7

PreventionGenetics, part of Exact Sciences
Classification: Likely benign for ARSI-related condition. Last evaluated: 2019-06-19. Review status: no assertion criteria provided. Collection method: clinical testing. Allele origin: germline. Not counted in ClinVar's aggregate classification.
Comment: This variant is classified as likely benign based on ACMG/AMP sequence variant interpretation guidelines (Richards et al. 2015 PMID: 25741868, with internal and published modifications).

NM_001012301.4(ARSI):c.1242C>T (p.Ala414=)

Gene: ARSI (arylsulfatase family member I; minus strand). Cytogenetic location: 5q32.
Variant type: single nucleotide variant.
Coding change: c.1242C>T on transcript NM_001012301.4 (MANE Select); coding-DNA position 1242, C replaced by T.
Protein change: p.Ala414=; no amino-acid change (alanine 414 retained).
Molecular consequence: synonymous variant.
Genome position (GRCh38, 1-based): chr5:150,297,682, G>A on the plus strand (C>T on the coding strand, the complement: ARSI is on the minus strand). VCF-style: chr5-150297682-G-A. GRCh37 (hg19) VCF-style: chr5-149677245-G-A.
Other names: c.1242C>T (NM_001012301.3).
Identifiers: ClinVar variation 465194 (VCV000465194.38), dbSNP rs148519839, ClinGen allele CA3510135.
Genomic context (GRCh38, chr5:150,297,682, plus strand): 5'-GCCATAGCCGGGGTCTCCTGTCAGCAGCTTCCACTCACCCACGCGGATGGCAGCCTGCAC[G>A]GCGGTGTTCCAGATGCCAAAGCCGCCCTCCAGGGAGCCATGCTGGGCATGGTTGTAGAGT-3'
Protein context (NP_001012301.1, residues 404-424): LEGGFGIWNT[Ala414=]VQAAIRVGEW